The following is an entry in ClinVar:

NM_017636.4(TRPM4):c.2126C>A (p.Thr709Asn)

Gene: TRPM4 (transient receptor potential cation channel subfamily M member 4; plus strand). Cytogenetic location: 19q13.33.
Variant type: single nucleotide variant.
Coding change: c.2126C>A on transcript NM_017636.4 (MANE Select); coding-DNA position 2126, C replaced by A.
Protein change: p.Thr709Asn; replaces threonine 709 with asparagine.
Molecular consequence: missense variant.
Genome position (GRCh38, 1-based): chr19:49,190,314, C>A. VCF-style: chr19-49190314-C-A. GRCh37 (hg19) VCF-style: chr19-49693571-C-A.
Other names: c.2126C>A, p.Thr709Asn (NM_001195227.2); c.1781C>A, p.Thr594Asn (NM_001321281.2); c.518C>A, p.Thr173Asn (NM_001321282.2); c.1604C>A, p.Thr535Asn (NM_001321283.2); c.1064C>A, p.Thr355Asn (NM_001321285.2); short protein forms T173N, T355N, T535N, T594N, T709N.
Identifiers: ClinVar variation 4883602 (VCV004883602.2).
Genomic context (GRCh38, chr19:49,190,314, plus strand): 5'-CCATCTGGGCCCTGGTTCTCGCCTTCTTTTGCCCTCCACTCATCTACACCCGCCTCATCA[C>A]CTTCAGGTCAGTACCCTGGGGTGAGAGTGGTGGGGATGGGGGCGGGGTGCTCAGTTTCTC-3'
Protein context (NP_060106.2, residues 699-719): CPPLIYTRLI[Thr709Asn]FRKSEEEPTR

ClinVar aggregate classification (germline): Uncertain significance (1 of 4 stars; one submission).

Submission:

Dasa
Classification: Uncertain significance. Last evaluated: 2025-01-20. Review status: criteria provided, single submitter. Criteria: DASA Assertion Criteria. Collection method: clinical testing. Allele origin: germline.
Comment: NM_017636.4(TRPM4):c.2126C>A (p.Thr709Asn) is a missense variant that results in the substitution of threonine with asparagine. This variant is absent from population databases. Computational prediction algorithms are consistent with a benign effect. The currently available literature and clinical evidence are not sufficient to establish a definitive association between this variant and the reported condition. Therefore, this variant is classified as a variant of uncertain significance.